The following is an entry in ClinVar:

ClinVar aggregate classification (germline): Uncertain significance (1 of 4 stars; one submission).

gnomAD v4.1: 52 of 1,314,194 alleles (0.004%); highest among the groups gnomAD compares: Non-Finnish European, 0.005%; no homozygotes.

Submission:

Mayo Clinic Laboratories, Mayo Clinic
Classification: Uncertain significance. Last evaluated: 2025-10-20. Review status: criteria provided, single submitter. Criteria: ACMG Guidelines, 2015. Collection method: clinical testing. Allele origin: germline. Observed: 1 variant allele.
Comment: BP4_moderate

NM_001010867.4(IBA57):c.49C>T (p.Pro17Ser)

Gene: IBA57 (iron-sulfur cluster assembly factor IBA57; plus strand). Cytogenetic location: 1q42.13.
Variant type: single nucleotide variant.
Coding change: c.49C>T on transcript NM_001010867.4 (MANE Select); coding-DNA position 49, C replaced by T.
Protein change: p.Pro17Ser; replaces proline 17 with serine.
Molecular consequence: missense variant.
Genome position (GRCh38, 1-based): chr1:228,165,865, C>T. VCF-style: chr1-228165865-C-T. GRCh37 (hg19) VCF-style: chr1-228353566-C-T.
Other names: p.Pro17Ser; short protein forms P17S.
Identifiers: ClinVar variation 4542318 (VCV004542318.1).